The following is an entry in ClinVar:

NM_000256.3(MYBPC3):c.2707G>A (p.Gly903Ser)

Gene: MYBPC3 (myosin binding protein C3; minus strand). Cytogenetic location: 11p11.2.
Variant type: single nucleotide variant.
Coding change: c.2707G>A on transcript NM_000256.3 (MANE Select); coding-DNA position 2707, G replaced by A.
Protein change: p.Gly903Ser; replaces glycine 903 with serine.
Molecular consequence: missense variant.
Genome position (GRCh38, 1-based): chr11:47,335,907, C>T on the plus strand (G>A on the coding strand, the complement: MYBPC3 is on the minus strand). VCF-style: chr11-47335907-C-T. GRCh37 (hg19) VCF-style: chr11-47357458-C-T.
Other names: short protein forms G903S.
Identifiers: ClinVar variation 3023558 (VCV003023558.3), dbSNP rs1595842991, ClinGen allele CA380317173.

ClinVar aggregate classification (germline): Uncertain significance (1 of 4 stars; one submission).

Conditions:
Hypertrophic cardiomyopathy. Also called: HYPERTROPHIC MYOCARDIOPATHY. Identifiers: Orphanet 217569, MedGen C0007194, MeSH D002312, MONDO:0005045, HP:0001639.

Allele frequency attached by ClinVar (database versions not stated): gnomAD exomes below 0.00001; TOPMed below 0.00001; gnomAD 0.00001.
gnomAD v4.1: 2 of 1,541,972 alleles (0.00013%); highest among the groups gnomAD compares: African/African-American, 0.0014%; no homozygotes.

Submission:

Labcorp Genetics (formerly Invitae), Labcorp
Classification: Uncertain significance for Hypertrophic cardiomyopathy. Last evaluated: 2023-12-14. Review status: criteria provided, single submitter. Criteria: Invitae Variant Classification Sherloc (09022015). Collection method: clinical testing. Allele origin: germline.
Comment: This sequence change replaces glycine, which is neutral and non-polar, with serine, which is neutral and polar, at codon 903 of the MYBPC3 protein (p.Gly903Ser). This variant is not present in population databases (gnomAD no frequency). This variant has not been reported in the literature in individuals affected with MYBPC3-related conditions. An algorithm developed to predict the effect of missense changes on protein structure and function (PolyPhen-2) suggests that this variant is likely to be disruptive. In summary, the available evidence is currently insufficient to determine the role of this variant in disease. Therefore, it has been classified as a Variant of Uncertain Significance.